The following is an entry in ClinVar:

ClinVar aggregate classification (germline): Uncertain significance (1 of 4 stars; one submission).

Conditions:
3-methylcrotonyl-CoA carboxylase 1 deficiency (MCC1D). Also called: MCCD TYPE 1; METHYLCROTONYLGLYCINURIA TYPE I; MCC 1 deficiency; 3 Alpha methylcrotonylglycinuria 1. Identifiers: Orphanet 6, MedGen CN028786, MONDO:0008861, OMIM 210200.

Allele frequency attached by ClinVar (database versions not stated): gnomAD exomes below 0.00001; ExAC 0.00001.
gnomAD v4.1: 4 of 1,614,204 alleles (0.00025%); highest among the groups gnomAD compares: African/African-American, 0.0027%; no homozygotes.

Submission:

Labcorp Genetics (formerly Invitae), Labcorp
Classification: Uncertain significance for 3-methylcrotonyl-CoA carboxylase 1 deficiency. Last evaluated: 2024-02-23. Review status: criteria provided, single submitter. Criteria: Invitae Variant Classification Sherloc (09022015). Collection method: clinical testing. Allele origin: germline.
Comment: This sequence change replaces glycine, which is neutral and non-polar, with alanine, which is neutral and non-polar, at codon 72 of the MCCC1 protein (p.Gly72Ala). This variant is present in population databases (rs761521333, gnomAD 0.003%). This missense change has been observed in individual(s) with 3-methylcrotonyl-CoA carboxylase (3MCC) deficiency (Invitae). In at least one individual the data is consistent with being in trans (on the opposite chromosome) from a pathogenic variant. ClinVar contains an entry for this variant (Variation ID: 1399715). Advanced modeling of protein sequence and biophysical properties (such as structural, functional, and spatial information, amino acid conservation, physicochemical variation, residue mobility, and thermodynamic stability) has been performed at Invitae for this missense variant, however the output from this modeling did not meet the statistical confidence thresholds required to predict the impact of this variant on MCCC1 protein function. In summary, the available evidence is currently insufficient to determine the role of this variant in disease. Therefore, it has been classified as a Variant of Uncertain Significance.

NM_020166.5(MCCC1):c.215G>C (p.Gly72Ala)

Gene: MCCC1 (methylcrotonyl-CoA carboxylase subunit 1; minus strand). Cytogenetic location: 3q27.1.
Variant type: single nucleotide variant.
Coding change: c.215G>C on transcript NM_020166.5 (MANE Select); coding-DNA position 215, G replaced by C.
Protein change: p.Gly72Ala; replaces glycine 72 with alanine.
Molecular consequence: missense variant. On other transcripts: non-coding transcript variant (1), intron variant (2).
Genome position (GRCh38, 1-based): chr3:183,092,467, C>G on the plus strand (G>C on the coding strand, the complement: MCCC1 is on the minus strand). VCF-style: chr3-183092467-C-G. GRCh37 (hg19) VCF-style: chr3-182810255-C-G.
Other names: c.-55+2092G>C (NM_001363880.1); c.44+2092G>C (NM_001293273.2); short protein forms G72A.
Identifiers: ClinVar variation 1399715 (VCV001399715.8), dbSNP rs761521333, ClinGen allele CA2719165.